The following is an entry in ClinVar:

NM_000330.4(RS1):c.544C>T (p.Arg182Cys)

Genes: CDKL5 (cyclin dependent kinase like 5; plus strand), RS1 (retinoschisin 1; minus strand). Cytogenetic location: Xp22.13.
Variant type: single nucleotide variant.
Coding change: c.544C>T on transcript NM_000330.4 (MANE Select); coding-DNA position 544, C replaced by T.
Protein change: p.Arg182Cys; replaces arginine 182 with cysteine.
Molecular consequence: missense variant. On other transcripts: intron variant (2).
Genome position (GRCh38, 1-based): chrX:18,642,135, G>A on the plus strand (C>T on the coding strand, the complement: RS1 is on the minus strand). VCF-style: chrX-18642135-G-A. GRCh37 (hg19) VCF-style: chrX-18660255-G-A.
Other names: NM_000330.4(RS1):c.544C>T; c.2714-3872G>A (NM_003159.3, NM_001037343.2); short protein forms R182C.
Identifiers: ClinVar variation 98986 (VCV000098986.19), dbSNP rs61753171, ClinGen allele CA226778.

ClinVar aggregate classification (germline): Pathogenic. Review status: reviewed by expert panel (3 of 4 stars). 11 submissions from 11 submitters: Pathogenic (1). 10 of the submissions do not count toward it. Last evaluated 2025-09-23.

Conditions:
RS1-related disorder. Also called: RS1-related condition.
Retinal dystrophy. Also called: Inherited retinal dystrophy. Identifiers: Orphanet 71862, MedGen C0854723, MeSH D058499, MONDO:0019118, HP:0000556.
Juvenile retinoschisis (RS1). Also called: X-Linked Juvenile Retinoschisis; X-linked retinoschisis. Identifiers: Orphanet 792, MedGen C3714753, MONDO:0010725, OMIM 312700.

Allele frequency attached by ClinVar (database versions not stated): gnomAD exomes below 0.00001 and 0.00001.
gnomAD v4.1: 2 of 1,211,473 alleles (0.00017%); highest among the groups gnomAD compares: East Asian, 0.003%; no homozygotes.

Submissions (11):

ClinGen X-linked Inherited Retinal Disease Variant Curation Expert Panel, ClinGen
Classification: Pathogenic for Juvenile retinoschisis. Last evaluated: 2025-09-23. Review status: reviewed by expert panel. Criteria: ClinGen X LinkedIRD ACMG Specifications RS1 V1.0.0. Collection method: curation. Allele origin: germline. Inheritance: X-linked inheritance.
Comment: NM_000330.4(RS1):c.544C>T (p.Arg182Cys) is a missense variant encoding the substitution of arginine with cysteine at amino acid 182. This variant is present in gnomAD v.4.1.0 at a frequency of 0.000002506 among hemizygous individuals, with 1 variant alleles / 399013 total hemizygous alleles, which is between the ClinGen X-linked IRD VCEP PM2_Supporting and BS1 threshold of 0.000002 to 0.00002 and fails to meet these criteria. The computational predictor REVEL gives a score of 0.917, which is within the ClinGen X-linked IRD VCEP range between 0.931 to 0.773 and predicts a damaging effect on RS1 function (PP3_Moderate). The computational splicing predictor SpliceAI gives a delta score of 0.00 for all predictive splice changes, which is below the ClinGen X-linked IRD VCEP threshold of >0.2 and does not predict that the variant disrupts RS1 splicing. COS7 cells exogenously expressing the variant exhibit reduced RS1 secretion into the medium relative to the wild-type control (PMID: 16361673, PMID: 29851975, PS3_Supporting). This variant has been reported in at least 9 apparently unrelated probands meeting the PS4 requirement of a male diagnosed with X-linked retinoschisis (PMID: 19568363, PMID: 34645606, PMID: 29851975, PMID: 34828422, PMID: 30652005, PMID: 34822951, PMID: 36377647, PMID: 39462066, PMID: 33546218, PS4_VeryStrong). In summary, this variant is classified as pathogenic for X-linked retinoschisis based on the ClinGen X-linked Inherited Retinal Disease Expert Panel Specifications to the ACMG/AMP Variant Interpretation Guidelines for RS1 Version 1.0.0: PP3_Moderate, PS3_Supporting, and PS4_VeryStrong.

Labcorp Genetics (formerly Invitae), Labcorp
Classification: Pathogenic. Last evaluated: 2025-09-03. Review status: criteria provided, single submitter. Criteria: Invitae Variant Classification Sherloc (09022015). Collection method: clinical testing. Allele origin: germline. Not counted in ClinVar's aggregate classification.
Comment: This sequence change replaces arginine, which is basic and polar, with cysteine, which is neutral and slightly polar, at codon 182 of the RS1 protein (p.Arg182Cys). This variant is present in population databases (rs61753171, gnomAD 0.006%). This missense change has been observed in individuals with congenital retinoschisis (PMID: 9618178, 30652005). ClinVar contains an entry for this variant (Variation ID: 98986). Invitae Evidence Modeling of protein sequence and biophysical properties (such as structural, functional, and spatial information, amino acid conservation, physicochemical variation, residue mobility, and thermodynamic stability) indicates that this missense variant is expected to disrupt RS1 protein function with a positive predictive value of 95%. Experimental studies are conflicting or provide insufficient evidence to determine the effect of this variant on RS1 function (PMID: 6361673). For these reasons, this variant has been classified as Pathogenic.

Women's Health and Genetics/Laboratory Corporation of America, LabCorp
Classification: Pathogenic for Juvenile retinoschisis. Last evaluated: 2025-03-03. Review status: criteria provided, single submitter. Criteria: LabCorp Variant Classification Summary - May 2015. Collection method: clinical testing. Allele origin: germline. Not counted in ClinVar's aggregate classification.
Comment: Variant summary: RS1 c.544C>T (p.Arg182Cys) results in a non-conservative amino acid change located in the Coagulation factor 5/8, C-terminal domain (IPR000421) of the encoded protein sequence. Five of five in-silico tools predict a damaging effect of the variant on protein function. The variant allele was found at a frequency of 5.5e-06 in 182642 control chromosomes. c.544C>T has been reported in the literature in multiple individuals affected with Juvenile Retinoschisis (RSC_1998, Kondo_2019, Gao_2020). These data indicate that the variant is very likely to be associated with disease. At least one publication reports experimental evidence evaluating an impact on protein function (2006), however, does not allow convincing conclusions about the variant effect. The following publications have been ascertained in the context of this evaluation (PMID: 33124204, 30652005, 9618178, 16361673). ClinVar contains an entry for this variant (Variation ID: 98986). Based on the evidence outlined above, the variant was classified as pathogenic.

Dasa
Classification: Pathogenic. Last evaluated: 2024-05-15. Review status: criteria provided, single submitter. Criteria: DASA Assertion Criteria. Collection method: clinical testing. Allele origin: germline. Not counted in ClinVar's aggregate classification.
Comment: NM_000330.4(RS1):c.544C>T (p.Arg182Cys) is a missense variant that results in the substitution of arginine with cysteine. This variant has been recurrently observed in individuals with related phenotype (PMID: 30652005; PMID: 22245991; PMID: 9618178). Multiple computational predictions support a deleterious effect on the gene or gene product. The variant is present at low frequency in population datasets. Based on the available data, this variant is classified as pathogenic.

Baylor Genetics
Classification: Pathogenic for Juvenile retinoschisis. Last evaluated: 2023-10-18. Review status: criteria provided, single submitter. Criteria: ACMG Guidelines, 2015. Collection method: clinical testing. Allele origin: unknown. Not counted in ClinVar's aggregate classification.

Blueprint Genetics
Classification: Pathogenic for RS1-related disorders. Last evaluated: 2023-06-08. Review status: criteria provided, single submitter. Criteria: ACMG Guidelines, 2015. Collection method: clinical testing. Allele origin: germline. Affected: yes. Observed: 4 variant alleles. Not counted in ClinVar's aggregate classification.

Institute of Medical Molecular Genetics, University of Zurich
Classification: Likely pathogenic for Juvenile retinoschisis. Last evaluated: 2021-01-30. Review status: criteria provided, single submitter. Criteria: ACMG Guidelines, 2015. Collection method: clinical testing. Allele origin: unknown. Affected: yes. Not counted in ClinVar's aggregate classification.

Institute of Human Genetics, Univ. Regensburg, Univ. Regensburg
Classification: Pathogenic for Retinal dystrophy. Last evaluated: 2012-01-01. Review status: criteria provided, single submitter. Criteria: ACMG Guidelines, 2015. Collection method: clinical testing. Allele origin: germline. Affected: yes. Not counted in ClinVar's aggregate classification.

Department of Ophthalmology, Shanghai Jiao Tong University School of Medicine, Shanghai General Hospital
Classification: Likely pathogenic for Juvenile retinoschisis. Review status: criteria provided, single submitter. Criteria: ACMG Guidelines, 2015. Collection method: research. Allele origin: germline. Affected: yes. Not counted in ClinVar's aggregate classification.

Juno Genomics, Hangzhou Juno Genomics, Inc
Classification: Pathogenic for Juvenile retinoschisis. Review status: criteria provided, single submitter. Criteria: ACMG Guidelines, 2015. Collection method: clinical testing. Allele origin: germline. Affected: yes. Not counted in ClinVar's aggregate classification.
Comment: Absent from controls (or at extremely low frequency if recessive) in Genome Aggregation Database, Exome Sequencing Project, 1000 Genomes Project, or Exome Aggregation Consortium.;Multiple lines of computational evidence support a deleterious effect on the gene or gene product (conservation, evolutionary, splicing impact, etc).;The prevalence of the variant in affected individuals is significantly increased compared to the prevalence in controls.;Patient's phenotype or family history is highly specific for a disease with a single genetic etiology.

Retina International
No classification provided. Review status: no classification provided. Collection method: not provided. Allele origin: unknown. Not counted in ClinVar's aggregate classification.

Literature cited by the submitters: PubMed 9618178 (cited by 4 submitters); PubMed 30652005 (cited by 4 submitters); PubMed 6361673 (cited by Labcorp Genetics (formerly Invitae), Labcorp); PubMed 33124204 (cited by Women's Health and Genetics/Laboratory Corporation of America, LabCorp); PubMed 16361673 (cited by Women's Health and Genetics/Laboratory Corporation of America, LabCorp and Institute of Human Genetics, Univ. Regensburg, Univ. Regensburg); PubMed 22245991 (cited by Dasa); PubMed 20061330 (cited by Institute of Human Genetics, Univ. Regensburg, Univ. Regensburg); PubMed 34828422 (cited by Institute of Human Genetics, Univ. Regensburg, Univ. Regensburg); PubMed 36377647 (cited by Institute of Human Genetics, Univ. Regensburg, Univ. Regensburg); PubMed 34822951 (cited by Institute of Human Genetics, Univ. Regensburg, Univ. Regensburg); PubMed 34645606 (cited by Institute of Human Genetics, Univ. Regensburg, Univ. Regensburg).